The following is an entry in ClinVar:

NM_000256.3(MYBPC3):c.3747C>G (p.Gly1249=)

Gene: MYBPC3 (myosin binding protein C3; minus strand). Cytogenetic location: 11p11.2.
Variant type: single nucleotide variant.
Coding change: c.3747C>G on transcript NM_000256.3 (MANE Select); coding-DNA position 3747, C replaced by G.
Protein change: p.Gly1249=; no amino-acid change (glycine 1249 retained).
Molecular consequence: synonymous variant.
Genome position (GRCh38, 1-based): chr11:47,332,139, G>C on the plus strand (C>G on the coding strand, the complement: MYBPC3 is on the minus strand). VCF-style: chr11-47332139-G-C. GRCh37 (hg19) VCF-style: chr11-47353690-G-C.
Identifiers: ClinVar variation 782775 (VCV000782775.11), dbSNP rs772872595, ClinGen allele CA054837.

ClinVar aggregate classification (germline): Likely benign. Review status: criteria provided, multiple submitters, no conflicts (2 of 4 stars). 4 submissions from 4 submitters: Likely benign (4). Last evaluated 2025-07-12.

Conditions:
Hypertrophic cardiomyopathy. Also called: HYPERTROPHIC MYOCARDIOPATHY. Identifiers: Orphanet 217569, MedGen C0007194, MeSH D002312, MONDO:0005045, HP:0001639.
Cardiomyopathy (CMYO). Also called: Cardiomyopathies. Identifiers: Orphanet 167848, MedGen C0878544, MONDO:0004994, HP:0001638. Inheritance: Various modes of inheritance.
Cardiovascular phenotype. Identifiers: MedGen CN230736.

Allele frequency attached by ClinVar (database versions not stated): gnomAD 0.00001; TOPMed 0.00001; gnomAD exomes 0.00001.
gnomAD v4.1: 10 of 1,613,594 alleles (0.00062%); highest among the groups gnomAD compares: African/African-American, 0.011%; no homozygotes.

Submissions (4):

Ambry Genetics
Classification: Likely benign for Cardiovascular phenotype. Last evaluated: 2025-07-12. Review status: criteria provided, single submitter. Criteria: Ambry Variant Classification Scheme 2023. Collection method: clinical testing. Allele origin: germline.

Labcorp Genetics (formerly Invitae), Labcorp
Classification: Likely benign for Hypertrophic cardiomyopathy. Last evaluated: 2024-07-02. Review status: criteria provided, single submitter. Criteria: Invitae Variant Classification Sherloc (09022015). Collection method: clinical testing. Allele origin: germline.

All of Us Research Program, National Institutes of Health
Classification: Likely benign for Hypertrophic cardiomyopathy. Last evaluated: 2024-06-17. Review status: criteria provided, single submitter. Criteria: ACMG Guidelines, 2015. Collection method: clinical testing. Allele origin: germline. Inheritance: Autosomal dominant inheritance. Observed: 1 variant allele, 1 heterozygote.
Comment: This study involves interpretation of variants in research participants for the purpose of population health screening. Participant phenotype was not available at the time of variant classification. Additional details can be found in publication PMID: 35346344, PMCID: PMC8962531

Color Diagnostics, LLC DBA Color Health
Classification: Likely benign for Cardiomyopathy. Last evaluated: 2020-03-03. Review status: criteria provided, single submitter. Criteria: ACMG Guidelines, 2015. Collection method: clinical testing. Allele origin: germline.